The following is an entry in ClinVar:

ClinVar aggregate classification (germline): Conflicting classifications of pathogenicity. Review status: criteria provided, conflicting classifications (1 of 4 stars). 6 submissions from 6 submitters: Likely pathogenic (1); Uncertain significance (4). 1 of the submissions does not count toward it. Last evaluated 2026-02-05.

Conditions:
Renal cysts and diabetes syndrome (RCAD). Also called: MATURITY-ONSET DIABETES OF THE YOUNG, TYPE 5; Familial hypoplastic, glomerulocystic kidney. Identifiers: Orphanet 93111, MedGen C0431693, MONDO:0007669, OMIM 137920.

Allele frequency attached by ClinVar (database versions not stated): gnomAD 0.00001; gnomAD exomes 0.00001; TOPMed below 0.00001.
gnomAD v4.1: 12 of 1,556,892 alleles (0.00077%); highest among the groups gnomAD compares: African/African-American, 0.0041%; no homozygotes.

Submissions (6):

Women's Health and Genetics/Laboratory Corporation of America, LabCorp
Classification: Uncertain significance. Last evaluated: 2026-02-05. Review status: criteria provided, single submitter. Criteria: LabCorp Variant Classification Summary - May 2015. Collection method: clinical testing. Allele origin: germline.
Comment: Variant summary: HNF1B c.1484T>A (p.Met495Lys) results in a non-conservative amino acid change in the encoded protein sequence. Algorithms developed to predict the effect of missense changes on protein structure and function all suggest that this variant is likely to be disruptive. The variant was absent in 165078 control chromosomes. The available data on variant occurrences in the general population are insufficient to allow any conclusion about variant significance. c.1484T>A has been observed in individual(s) affected with features of Maturity Onset Diabetes Of The Young 5 (Renal Cysts And Diabetes Syndrome) (Ates_2021, Dubois-Laforgue_2017, Rasouly_2025). These data do not allow any conclusion about variant significance. To our knowledge, no experimental evidence demonstrating an impact on protein function has been reported. The following publications have been ascertained in the context of this evaluation (PMID: 34462253, 28420700, 40774958).ClinVar contains an entry for this variant (Variation ID: 635582). Based on the evidence outlined above, the variant was classified as uncertain significance.

Genetic Services Laboratory, University of Chicago
Classification: Uncertain significance. Last evaluated: 2025-11-12. Review status: criteria provided, single submitter. Criteria: ACMG Guidelines, 2015. Collection method: clinical testing. Allele origin: germline.
Comment: The c.1484T>A variant: Results in an amino acid change, p.Met495Lys. Has been previously described in individuals with diabetes (PMIDs: 34462253, 31291970, 28420700). Is reported in the gnomAD v4 database with a frequency of 0.004% in the African/African American subpopulation (dbSNP rs1210118895). Affects a highly conserved amino acid residue located in a domain of the HNF1B protein that is known to be functional. Appears to be deleterious using several in-silico pathogenicity prediction tools. ClinVar contains an entry for this variant (Variation ID: 635582) Due to insufficient evidence and the lack of functional studies, the clinical significance of the p.Met495Lys variant remains unknown at this time.

GeneDx
Classification: Uncertain significance. Last evaluated: 2025-07-31. Review status: criteria provided, single submitter. Criteria: GeneDx Variant Classification Process June 2021. Collection method: clinical testing. Allele origin: germline. Affected: yes.
Comment: Identified in patients with features consistent with HNF1B-related MODY in published literature (PMID: 34462253, 37441663, 31291970); Reported in an individual with diabetes in published literature (PMID: 28420700); Not observed at significant frequency in large population cohorts (gnomAD); In silico analysis supports that this missense variant has a deleterious effect on protein structure/function; This variant is associated with the following publications: (PMID: 28420700, 31291970, 36995132, 37441663, 34462253, 32786180)

Labcorp Genetics (formerly Invitae), Labcorp
Classification: Uncertain significance. Last evaluated: 2025-07-21. Review status: criteria provided, single submitter. Criteria: Invitae Variant Classification Sherloc (09022015). Collection method: clinical testing. Allele origin: germline.
Comment: This sequence change replaces methionine, which is neutral and non-polar, with lysine, which is basic and polar, at codon 495 of the HNF1B protein (p.Met495Lys). This variant is not present in population databases (gnomAD no frequency). This missense change has been observed in individual(s) with clinical features of HNF1B-related conditions (PMID: 28420700, 31291970, 34462253). ClinVar contains an entry for this variant (Variation ID: 635582). Invitae Evidence Modeling of protein sequence and biophysical properties (such as structural, functional, and spatial information, amino acid conservation, physicochemical variation, residue mobility, and thermodynamic stability) indicates that this missense variant is not expected to disrupt HNF1B protein function with a negative predictive value of 80%. In summary, the available evidence is currently insufficient to determine the role of this variant in disease. Therefore, it has been classified as a Variant of Uncertain Significance.

Institute of Human Genetics, FAU Erlangen, Friedrich-Alexander-Universität Erlangen-Nürnberg
Classification: Likely pathogenic for Renal cysts and diabetes syndrome. Last evaluated: 2019-07-06. Review status: criteria provided, single submitter. Criteria: ACMG Guidelines, 2015. Collection method: literature only. Allele origin: germline. Affected: yes.
Comment: This variant and it's classification has been reported by Vasileiou et al. 2019; DOI:10.1101/576918. The variants has previously been reported in PMID:28420700 as "c.1484T>A,p.Met495Lys" with clinical significance Likely pathogenic. It has been re-classified using InterVar and manual curation as Likely pathogenic based on PM1 PM2 PP3 PP5.

Gharavi Laboratory, Columbia University
Classification: Likely pathogenic for Renal cysts and diabetes syndrome. Last evaluated: 2024-11-05. Review status: no assertion criteria provided. Criteria: ACMG Guidelines, 2015. Collection method: case-control. Allele origin: germline. Affected: yes. Not counted in ClinVar's aggregate classification.

Literature cited by the submitters: PubMed 34462253 (cited by Women's Health and Genetics/Laboratory Corporation of America, LabCorp and Labcorp Genetics (formerly Invitae), Labcorp); PubMed 28420700 (cited by 3 submitters); PubMed 40774958 (cited by Women's Health and Genetics/Laboratory Corporation of America, LabCorp); PubMed 31291970 (cited by Labcorp Genetics (formerly Invitae), Labcorp); DOI 10.1101/576918 (cited by Institute of Human Genetics, FAU Erlangen, Friedrich-Alexander-Universität Erlangen-Nürnberg).

NM_000458.4(HNF1B):c.1484T>A (p.Met495Lys)

Gene: HNF1B (HNF1 homeobox B; minus strand). Cytogenetic location: 17q12.
Variant type: single nucleotide variant.
Coding change: c.1484T>A on transcript NM_000458.4 (MANE Select); coding-DNA position 1484, T replaced by A.
Protein change: p.Met495Lys; replaces methionine 495 with lysine.
Molecular consequence: missense variant. On other transcripts: intron variant (1).
Genome position (GRCh38, 1-based): chr17:37,701,033, A>T on the plus strand (T>A on the coding strand, the complement: HNF1B is on the minus strand). VCF-style: chr17-37701033-A-T. GRCh37 (hg19) VCF-style: chr17-36061038-A-T.
Other names: c.1406T>A, p.Met469Lys (NM_001165923.4); c.1261+3884T>A (NM_001304286.2); c.1484T>A (NM_000458.2); short protein forms M495K, M469K.
Identifiers: ClinVar variation 635582 (VCV000635582.10), dbSNP rs1210118895, ClinGen allele CA398755031.